The following is an entry in ClinVar:

NM_001854.4(COL11A1):c.3924+1G>A

Gene: COL11A1 (collagen type XI alpha 1 chain; minus strand). Cytogenetic location: 1p21.1.
Variant type: single nucleotide variant.
Coding change: c.3924+1G>A on transcript NM_001854.4 (MANE Select); the canonical splice donor site of the intron after coding-DNA position 3924, G replaced by A.
Molecular consequence: splice donor variant.
Genome position (GRCh38, 1-based): chr1:102,914,703, C>T on the plus strand (G>A on the coding strand, the complement: COL11A1 is on the minus strand). VCF-style: chr1-102914703-C-T. GRCh37 (hg19) VCF-style: chr1-103380259-C-T.
Other names: c.3807+1G>A (NM_001190709.2); c.3960+1G>A (NM_080629.3); c.3576+1G>A (NM_080630.4).
Identifiers: ClinVar variation 3602208 (VCV003602208.1).
Genomic context (GRCh38, chr1:102,914,703, plus strand): 5'-AGAAAAGCTCCAAGGTGAGTTTGGCATAAATGCCACATTAGAGGGGACCAAACTCACTTA[C>T]CGGGTTACCCTTAGGGCCATCATCACCTGGTGGCCCCTTGGCACCTGGAGGTCCAGCAGC-3'

ClinVar aggregate classification (germline): Likely pathogenic (1 of 4 stars; one submission).

Submission:

GeneDx
Classification: Likely pathogenic. Last evaluated: 2024-08-02. Review status: criteria provided, single submitter. Criteria: GeneDx Variant Classification Process June 2021. Collection method: clinical testing. Allele origin: germline. Affected: yes.
Comment: Has not been previously published as pathogenic or benign to our knowledge; Not observed at significant frequency in large population cohorts (gnomAD); Damages or destroys the splice donor site in intron 51, and is expected to cause abnormal gene splicing; if the splice outcome is exon skip, the loss of the encoded residues in the triple helical region is expected to disrupt normal protein folding and function (PMID: 25240749); This variant is associated with the following publications: (PMID: 25240749)